The following is an entry in ClinVar:

ClinVar aggregate classification (germline): Likely benign. Review status: criteria provided, multiple submitters, no conflicts (2 of 4 stars). 2 submissions from 2 submitters: Likely benign (2). Last evaluated 2026-09-01.

Allele frequency attached by ClinVar (database versions not stated): gnomAD exomes 0.00001; ExAC 0.00002; TOPMed 0.00004; gnomAD 0.00001.
gnomAD v4.1: 11 of 1,613,996 alleles (0.00068%); highest among the groups gnomAD compares: Admixed American, 0.01%; no homozygotes.

Submissions (2):

CeGaT Center for Human Genetics Tuebingen
Classification: Likely benign. Last evaluated: 2026-09-01. Review status: criteria provided, single submitter. Criteria: CeGaT Center For Human Genetics Tuebingen Variant Classification Criteria Version 2. Collection method: clinical testing. Allele origin: germline. Affected: yes. Observed: 1 variant allele.
Comment: P2RY12: BP4, BP7

Labcorp Genetics (formerly Invitae), Labcorp
Classification: Likely benign. Last evaluated: 2024-10-29. Review status: criteria provided, single submitter. Criteria: Invitae Variant Classification Sherloc (09022015). Collection method: clinical testing. Allele origin: germline.

NM_022788.5(P2RY12):c.513T>C (p.Asn171=)

Genes: MED12L (mediator complex subunit 12L; plus strand), P2RY12 (purinergic receptor P2Y12; minus strand). Cytogenetic location: 3q25.1.
Variant type: single nucleotide variant.
Coding change: c.513T>C on transcript NM_022788.5 (MANE Select); coding-DNA position 513, T replaced by C.
Protein change: p.Asn171=; no amino-acid change (asparagine 171 retained).
Molecular consequence: synonymous variant. On other transcripts: intron variant (2).
Genome position (GRCh38, 1-based): chr3:151,338,333, A>G on the plus strand (T>C on the coding strand, the complement: P2RY12 is on the minus strand). VCF-style: chr3-151338333-A-G. GRCh37 (hg19) VCF-style: chr3-151056121-A-G.
Other names: c.513T>C, p.Asn171= (NM_176876.3); c.2251-11726A>G (NM_001393769.1); c.2146-11726A>G (NM_053002.6).
Identifiers: ClinVar variation 2171303 (VCV002171303.5), dbSNP rs747604391, ClinGen allele CA2667846.